The following is an entry in ClinVar:

ClinVar aggregate classification (germline): Likely benign. Review status: criteria provided, multiple submitters, no conflicts (2 of 4 stars). 6 submissions from 6 submitters: Likely benign (6). Last evaluated 2026-06-01.

Conditions:
Camptomelic dysplasia (CMPD). Also called: CMPD1/SRA1; Campomelic Dysplasia. Identifiers: Orphanet 140, MedGen C1861922, MONDO:0007251, OMIM 114290.

Allele frequency attached by ClinVar (database versions not stated): ESP Exome Variant Server 0.00015; ExAC 0.00018; 1000 Genomes Project 0.00020; gnomAD exomes 0.00028; 1000 Genomes Project 30x 0.00031; gnomAD 0.00031 and 0.00032; TOPMed 0.00042.

Submissions (6):

CeGaT Center for Human Genetics Tuebingen
Classification: Likely benign. Last evaluated: 2026-06-01. Review status: criteria provided, single submitter. Criteria: CeGaT Center For Human Genetics Tuebingen Variant Classification Criteria Version 2. Collection method: clinical testing. Allele origin: germline. Affected: yes. Observed: 2 variant alleles.
Comment: SOX9: BP4, BP7

Labcorp Genetics (formerly Invitae), Labcorp
Classification: Likely benign for Camptomelic dysplasia. Last evaluated: 2025-12-08. Review status: criteria provided, single submitter. Criteria: Invitae Variant Classification Sherloc (09022015). Collection method: clinical testing. Allele origin: germline.

Blueprint Genetics
Classification: Likely benign. Last evaluated: 2024-09-16. Review status: criteria provided, single submitter. Criteria: ACMG Guidelines, 2015. Collection method: clinical testing. Allele origin: germline.

GeneDx
Classification: Likely benign. Last evaluated: 2020-06-17. Review status: criteria provided, single submitter. Criteria: GeneDx Variant Classification Process June 2021. Collection method: clinical testing. Allele origin: germline. Affected: yes.

Eurofins Ntd Llc (ga)
Classification: Likely benign. Last evaluated: 2018-08-15. Review status: criteria provided, single submitter. Criteria: EGL ClinVar v180209 classification definitions. Collection method: clinical testing. Allele origin: germline. Observed: 1 variant allele, 1 heterozygote.

ARUP Laboratories, Molecular Genetics and Genomics, ARUP Laboratories
Classification: Likely benign. Last evaluated: 2017-12-27. Review status: criteria provided, single submitter. Criteria: ARUP Molecular Germline Variant Investigation Process. Collection method: clinical testing. Allele origin: germline.
Comment: The SOX9 c.1503C>T; p.Pro501Pro variant (rs139015010), to our knowledge, is not reported in the medical literature or gene specific variation databases. This variant is listed in the genome Aggregation Database (gnomAD) with an overall population frequency of 0.03% (identified on 73 out of 266,710 chromosomes). The cytosine at position 1503 is not highly conserved. Based on the available information, the c.1503C>T is likely to be benign.

NM_000346.4(SOX9):c.1503C>T (p.Pro501=)

Gene: SOX9 (SRY-box transcription factor 9; plus strand). Cytogenetic location: 17q24.3.
Variant type: single nucleotide variant.
Coding change: c.1503C>T on transcript NM_000346.4 (MANE Select); coding-DNA position 1503, C replaced by T.
Protein change: p.Pro501=; no amino-acid change (proline 501 retained).
Molecular consequence: synonymous variant.
Genome position (GRCh38, 1-based): chr17:72,124,360, C>T. VCF-style: chr17-72124360-C-T. GRCh37 (hg19) VCF-style: chr17-70120501-C-T.
Identifiers: ClinVar variation 324920 (VCV000324920.49), dbSNP rs139015010, ClinGen allele CA8739173.
Genomic context (GRCh38, chr17:72,124,360, plus strand): 5'-CGACACCTCTGGGGTCCCTTCCATCCCGCAGACCCACAGCCCCCAGCACTGGGAACAACC[C>T]GTCTACACACAGCTCACTCGACCTTGAGGAGGCCTCCCACGAAGGGCGAAGATGGCCGAG-3'
Protein context (NP_000337.1, residues 491-509): QTHSPQHWEQ[Pro501=]VYTQLTRP